The following is an entry in ClinVar:

ClinVar aggregate classification (germline): Uncertain significance (1 of 4 stars; one submission).

Conditions:
Hereditary cancer-predisposing syndrome. Also called: Hereditary neoplastic syndrome; Tumor predisposition; Hereditary Cancer Syndrome; Neoplastic Syndromes, Hereditary. Identifiers: Orphanet 140162, MedGen C0027672, MeSH D009386, MONDO:0015356.

gnomAD v4.1: 2 of 1,590,660 alleles (0.00013%); highest among the groups gnomAD compares: Non-Finnish European, 0.00017%; no homozygotes.

Submission:

Ambry Genetics
Classification: Uncertain significance for Hereditary cancer-predisposing syndrome. Last evaluated: 2023-07-29. Review status: criteria provided, single submitter. Criteria: Ambry Variant Classification Scheme 2023. Collection method: clinical testing. Allele origin: germline.
Comment: The p.Q24P variant (also known as c.71A>C), located in coding exon 1 of the EPCAM gene, results from an A to C substitution at nucleotide position 71. The glutamine at codon 24 is replaced by proline, an amino acid with similar properties. This amino acid position is conserved. In addition, the in silico prediction for this alteration is inconclusive. Since supporting evidence is limited at this time, the clinical significance of this alteration remains unclear.

NM_002354.3(EPCAM):c.71A>C (p.Gln24Pro)

Gene: EPCAM (epithelial cell adhesion molecule; plus strand). Cytogenetic location: 2p21.
Variant type: single nucleotide variant.
Coding change: c.71A>C on transcript NM_002354.3 (MANE Select); coding-DNA position 71, A replaced by C.
Protein change: p.Gln24Pro; replaces glutamine 24 with proline.
Molecular consequence: missense variant.
Genome position (GRCh38, 1-based): chr2:47,369,576, A>C. VCF-style: chr2-47369576-A-C. GRCh37 (hg19) VCF-style: chr2-47596715-A-C.
Other names: short protein forms Q24P.
Identifiers: ClinVar variation 2586734 (VCV002586734.2), dbSNP rs763055107, ClinGen allele CA346721474.